The following is an entry in ClinVar:

NM_001372.4(DNAH9):c.9622T>C (p.Trp3208Arg)

Gene: DNAH9 (dynein axonemal heavy chain 9; plus strand). Cytogenetic location: 17p12.
Variant type: single nucleotide variant.
Coding change: c.9622T>C on transcript NM_001372.4 (MANE Select); coding-DNA position 9622, T replaced by C.
Protein change: p.Trp3208Arg; replaces tryptophan 3208 with arginine.
Molecular consequence: missense variant.
Genome position (GRCh38, 1-based): chr17:11,854,117, T>C. VCF-style: chr17-11854117-T-C. GRCh37 (hg19) VCF-style: chr17-11757434-T-C.
Other names: short protein forms W3208R.
Identifiers: ClinVar variation 2695093 (VCV002695093.3), dbSNP rs1224106202, ClinGen allele CA398191813.

ClinVar aggregate classification (germline): Uncertain significance (1 of 4 stars; one submission).

Allele frequency attached by ClinVar (database versions not stated): TOPMed 0.00001.

Submission:

Labcorp Genetics (formerly Invitae), Labcorp
Classification: Uncertain significance. Last evaluated: 2023-11-11. Review status: criteria provided, single submitter. Criteria: Invitae Variant Classification Sherloc (09022015). Collection method: clinical testing. Allele origin: germline.
Comment: This sequence change replaces tryptophan, which is neutral and slightly polar, with arginine, which is basic and polar, at codon 3208 of the DNAH9 protein (p.Trp3208Arg). This variant is not present in population databases (gnomAD no frequency). This variant has not been reported in the literature in individuals affected with DNAH9-related conditions. Advanced modeling of protein sequence and biophysical properties (such as structural, functional, and spatial information, amino acid conservation, physicochemical variation, residue mobility, and thermodynamic stability) performed at Invitae indicates that this missense variant is expected to disrupt DNAH9 protein function with a positive predictive value of 80%. In summary, the available evidence is currently insufficient to determine the role of this variant in disease. Therefore, it has been classified as a Variant of Uncertain Significance.